The following is an entry in ClinVar:

ClinVar aggregate classification (germline): Uncertain significance (1 of 4 stars; one submission).

Conditions:
Congenital myasthenic syndrome (CMS). Also called: Congenital Myasthenic Syndromes. Identifiers: Orphanet 590, MedGen C0751882, MeSH D020294, MONDO:0018940.

Submission:

Myriad Genetics, Inc.
Classification: Uncertain significance for Congenital myasthenic syndrome. Last evaluated: 2026-07-27. Review status: criteria provided, single submitter. Criteria: Myriad Autosomal Dominant, Autosomal Recessive and X-Linked Classification Criteria (2023). Collection method: clinical testing. Allele origin: unknown.
Comment: NM_000080.3(CHRNE):c.70G>A(E24K) is a missense variant classified as a variant of uncertain significance in the context of congenital myasthenic syndrome, CHRNE-related. E24K has been observed in a case with relevant disease (PMID: 36099689). Relevant functional assessments of this variant are not available in the literature. E24K has not been observed in referenced population frequency databases. In summary, there is insufficient evidence to classify NM_000080.3(CHRNE):c.70G>A(E24K) as pathogenic or benign. Please note: this variant was assessed in the context of healthy population screening.

Literature cited by the submitters: PubMed 36099689.

NM_000080.4(CHRNE):c.70G>A (p.Glu24Lys)

Genes: C17orf107 (chromosome 17 open reading frame 107; plus strand), CHRNE (cholinergic receptor nicotinic epsilon subunit; minus strand). Cytogenetic location: 17p13.2.
Variant type: single nucleotide variant.
Coding change: c.70G>A on transcript NM_000080.4 (MANE Select); coding-DNA position 70, G replaced by A.
Protein change: p.Glu24Lys; replaces glutamic acid 24 with lysine.
Molecular consequence: missense variant. On other transcripts: 3 prime UTR variant (1).
Genome position (GRCh38, 1-based): chr17:4,902,740, C>T on the plus strand (G>A on the coding strand, the complement: CHRNE is on the minus strand). VCF-style: chr17-4902740-C-T. GRCh37 (hg19) VCF-style: chr17-4806035-C-T.
Other names: c.*2207C>T (NM_001145536.2); short protein forms E24K.
Identifiers: ClinVar variation 5004813 (VCV005004813.1).